The following is an entry in ClinVar:

NM_006019.4(TCIRG1):c.927C>A (p.Cys309Ter)

Gene: TCIRG1 (T cell immune regulator 1, ATPase H+ transporting V0 subunit a3; plus strand). Cytogenetic location: 11q13.2.
Variant type: single nucleotide variant.
Coding change: c.927C>A on transcript NM_006019.4 (MANE Select); coding-DNA position 927, C replaced by A.
Protein change: p.Cys309Ter; replaces cysteine 309 with a stop codon.
Molecular consequence: nonsense.
Genome position (GRCh38, 1-based): chr11:68,044,251, C>A. VCF-style: chr11-68044251-C-A. GRCh37 (hg19) VCF-style: chr11-67811718-C-A.
Other names: c.33C>A, p.Cys11Ter (NM_001351059.2); c.279C>A, p.Cys93Ter (NM_006053.4); short protein forms C93*, C11*, C309*.
Identifiers: ClinVar variation 2750608 (VCV002750608.4), dbSNP rs2495627659, ClinGen allele CA381580542.

ClinVar aggregate classification (germline): Pathogenic/Likely pathogenic. Review status: criteria provided, multiple submitters, no conflicts (2 of 4 stars). 2 submissions from 2 submitters: Pathogenic (1); Likely pathogenic (1). Last evaluated 2024-05-02.

Conditions:
Autosomal recessive osteopetrosis 1. Also called: TCIRG1-Related Osteopetrosis; ALBERS-SCHONBERG DISEASE, AUTOSOMAL RECESSIVE; TCIRG1-Related Autosomal Recessive Osteopetrosis. Identifiers: Orphanet 667, MedGen C1850127, MONDO:0009815, OMIM 259700.

Submissions (2):

Fulgent Genetics
Classification: Likely pathogenic for Autosomal recessive osteopetrosis 1. Last evaluated: 2024-05-02. Review status: criteria provided, single submitter. Criteria: ACMG Guidelines, 2015. Collection method: clinical testing. Allele origin: germline.

Labcorp Genetics (formerly Invitae), Labcorp
Classification: Pathogenic. Last evaluated: 2023-05-30. Review status: criteria provided, single submitter. Criteria: Invitae Variant Classification Sherloc (09022015). Collection method: clinical testing. Allele origin: germline.
Comment: For these reasons, this variant has been classified as Pathogenic. This variant has not been reported in the literature in individuals affected with TCIRG1-related conditions. This variant is not present in population databases (gnomAD no frequency). This sequence change creates a premature translational stop signal (p.Cys309*) in the TCIRG1 gene. It is expected to result in an absent or disrupted protein product. Loss-of-function variants in TCIRG1 are known to be pathogenic (PMID: 10888887, 10942435, 11532986, 19448635).

Literature cited by the submitters: PubMed 10888887 (cited by Labcorp Genetics (formerly Invitae), Labcorp); PubMed 10942435 (cited by Labcorp Genetics (formerly Invitae), Labcorp); PubMed 11532986 (cited by Labcorp Genetics (formerly Invitae), Labcorp); PubMed 19448635 (cited by Labcorp Genetics (formerly Invitae), Labcorp).